The following is an entry in ClinVar:

NM_000154.2(GALK1):c.476-1G>C

Gene: GALK1 (galactokinase 1; minus strand). Cytogenetic location: 17q25.1.
Variant type: single nucleotide variant.
Coding change: c.476-1G>C on transcript NM_000154.2 (MANE Select); the canonical splice acceptor site of the intron before coding-DNA position 476, G replaced by C.
Molecular consequence: splice acceptor variant.
Genome position (GRCh38, 1-based): chr17:75,763,150, C>G on the plus strand (G>C on the coding strand, the complement: GALK1 is on the minus strand). VCF-style: chr17-75763150-C-G. GRCh37 (hg19) VCF-style: chr17-73759231-C-G.
Other names: c.476-1G>C (NM_001381985.1).
Identifiers: ClinVar variation 4817611 (VCV004817611.1).
Genomic context (GRCh38, chr17:75,763,150, plus strand): 5'-CTGCGAAGCTGTGCTCGGCCTGCTGACACACCTGGGCGCGGGCAGCTATTGTGCCCGAGT[C>G]TGCAGTACAGGGTGAGGTGGGGAGGCTAGGGCTGGTGGAAGCAGCAGTGGCTTCAATGAC-3'

ClinVar aggregate classification (germline): Likely pathogenic (1 of 4 stars; one submission).

Conditions:
Deficiency of galactokinase. Also called: Galactokinase deficiency with cataracts; GALACTOSEMIA II. Identifiers: Orphanet 352, Orphanet 79237, MedGen C0268155, MONDO:0009255, OMIM 230200.

Submission:

Natera, Inc.
Classification: Likely pathogenic for Deficiency of galactokinase. Last evaluated: 2025-09-11. Review status: criteria provided, single submitter. Criteria: Natera Variant Classification Schema (03/2026). Collection method: clinical testing. Allele origin: germline.
Comment: The c.476-1G>C variant in GALK1 is a canonical splice acceptor site variant predicted to affect pre-mRNA splicing, which may result in an abnormal transcript and altered protein product. This variant is expected to result in nonsense mediated decay, truncation, or a dysfunctional protein product. This variant is rare in the general population with a frequency below the threshold expected for the associated phenotype(s). Given the available evidence, this variant is classified as Likely Pathogenic.